The following is an entry in ClinVar:

NM_201384.3(PLEC):c.4211G>A (p.Arg1404Gln)

Gene: PLEC (plectin; minus strand). Cytogenetic location: 8q24.3.
Variant type: single nucleotide variant.
Coding change: c.4211G>A on transcript NM_201384.3 (MANE Select); coding-DNA position 4211, G replaced by A.
Protein change: p.Arg1404Gln; replaces arginine 1404 with glutamine.
Molecular consequence: missense variant.
Genome position (GRCh38, 1-based): chr8:143,925,718, C>T on the plus strand (G>A on the coding strand, the complement: PLEC is on the minus strand). VCF-style: chr8-143925718-C-T. GRCh37 (hg19) VCF-style: chr8-144999886-C-T.
Other names: c.4292G>A, p.Arg1431Gln (NM_000445.5); c.4169G>A, p.Arg1390Gln (NM_201378.4); c.4145G>A, p.Arg1382Gln (NM_201379.3); c.4622G>A, p.Arg1541Gln (NM_201380.4); c.4115G>A, p.Arg1372Gln (NM_201381.3); c.4211G>A, p.Arg1404Gln (NM_201382.4); c.4223G>A, p.Arg1408Gln (NM_201383.3); c.4292G>A (NM_000445.3); short protein forms R1372Q, R1404Q, R1408Q, R1431Q, R1382Q, R1390Q, R1541Q.
Identifiers: ClinVar variation 596389 (VCV000596389.14), dbSNP rs372768552, ClinGen allele CA4926738.
Genomic context (GRCh38, chr8:143,925,718, plus strand): 5'-TGCTGCAGCTCCTCCTGAATGCTGCGCTTCTGCTGCTGCGCGTCCACCGCCGCCTCCTCC[C>T]GCCGCACCACCTCCTCCTGCATGCGCTGCTGCAGCTCCTTCGCCTCCCGCTCCGCCTGTG-3'
Protein context (NP_958786.1, residues 1394-1414): QQRMQEEVVR[Arg1404Gln]EEAAVDAQQQ

ClinVar aggregate classification (germline): Uncertain significance. Review status: criteria provided, multiple submitters, no conflicts (2 of 4 stars). 4 submissions from 4 submitters: Uncertain significance (4). Last evaluated 2025-10-18.

Conditions:
Inborn genetic diseases. Identifiers: MedGen C0950123, MeSH D030342.
Epidermolysis bullosa simplex 5B, with muscular dystrophy (EBS5B). Also called: Epidermolysis bullosa simplex with muscular dystrophy; EPIDERMOLYSIS BULLOSA SIMPLEX AND LIMB-GIRDLE MUSCULAR DYSTROPHY. Identifiers: Orphanet 257, MedGen C2931072, MONDO:0009181, OMIM 226670.
Epidermolysis bullosa simplex, Ogna type (EBS5A). Also called: Pidermolysis bullosa simplex 5A, Ogna type; EPIDERMOLYSIS BULLOSA SIMPLEX 5A, OGNA TYPE. Identifiers: Orphanet 79401, MedGen C0432317, MONDO:0007555, OMIM 131950.
Epidermolysis bullosa simplex with nail dystrophy (EBS5D). Identifiers: MedGen C4225309, MONDO:0014661, OMIM 616487.
Autosomal recessive limb-girdle muscular dystrophy type 2Q (LGMDR17). Also called: MUSCULAR DYSTROPHY, LIMB-GIRDLE, AUTOSOMAL RECESSIVE 17. Identifiers: Orphanet 254361, MedGen C3150989, MONDO:0013390, OMIM 613723.
Epidermolysis bullosa simplex 5C, with pyloric atresia (EBS5C). Also called: PLEC-Related Epidermolysis Bullosa with Pyloric Atresia; Epidermolysis bullosa simplex with pyloric atresia; PLEC1-Related Epidermolysis Bullosa with Pyloric Atresia. Identifiers: Orphanet 158684, MedGen C2677349, MONDO:0012807, OMIM 612138.

Allele frequency attached by ClinVar (database versions not stated): gnomAD exomes 0.00002; ExAC 0.00003; TOPMed 0.00003; gnomAD 0.00004 and 0.00005; ESP Exome Variant Server 0.00008.

Submissions (4):

Ambry Genetics
Classification: Uncertain significance for Inborn genetic diseases. Last evaluated: 2025-10-18. Review status: criteria provided, single submitter. Criteria: Ambry Variant Classification Scheme 2023. Collection method: clinical testing. Allele origin: germline.

Labcorp Genetics (formerly Invitae), Labcorp
Classification: Uncertain significance for Autosomal recessive limb-girdle muscular dystrophy type 2Q; Epidermolysis bullosa simplex, Ogna type; Epidermolysis bullosa simplex with nail dystrophy; Epidermolysis bullosa simplex 5C, with pyloric atresia; Epidermolysis bullosa simplex 5B, with muscular dystrophy. Last evaluated: 2025-10-02. Review status: criteria provided, single submitter. Criteria: Invitae Variant Classification Sherloc (09022015). Collection method: clinical testing. Allele origin: germline.
Comment: This sequence change replaces arginine, which is basic and polar, with glutamine, which is neutral and polar, at codon 1431 of the PLEC protein (p.Arg1431Gln). This variant is present in population databases (rs372768552, gnomAD 0.008%). This variant has not been reported in the literature in individuals affected with PLEC-related conditions. ClinVar contains an entry for this variant (Variation ID: 596389). Experimental studies and prediction algorithms are not available or were not evaluated, and the functional significance of this variant is currently unknown. In summary, the available evidence is currently insufficient to determine the role of this variant in disease. Therefore, it has been classified as a Variant of Uncertain Significance.

Revvity Omics, Revvity
Classification: Uncertain significance. Last evaluated: 2019-06-20. Review status: criteria provided, single submitter. Criteria: ACMG Guidelines, 2015. Collection method: clinical testing. Allele origin: germline.

Eurofins Ntd Llc (ga)
Classification: Uncertain significance. Last evaluated: 2018-03-15. Review status: criteria provided, single submitter. Criteria: EGL ClinVar v180209 classification definitions. Collection method: clinical testing. Allele origin: germline. Observed: 1 variant allele, 1 heterozygote.